The following is an entry in ClinVar:

NM_003791.4(MBTPS1):c.936C>G (p.Asp312Glu)

Genes: MBTPS1 (membrane bound transcription factor peptidase, site 1; minus strand), LOC126862423 (CDK7 strongly-dependent group 2 enhancer GRCh37_chr16:84125154-84126353; plus strand). Cytogenetic location: 16q23.3.
Variant type: single nucleotide variant.
Coding change: c.936C>G on transcript NM_003791.4 (MANE Select); coding-DNA position 936, C replaced by G.
Protein change: p.Asp312Glu; replaces aspartic acid 312 with glutamic acid.
Molecular consequence: missense variant.
Genome position (GRCh38, 1-based): chr16:84,091,759, G>C on the plus strand (C>G on the coding strand, the complement: MBTPS1 is on the minus strand). VCF-style: chr16-84091759-G-C. GRCh37 (hg19) VCF-style: chr16-84125364-G-C.
Other names: short protein forms D312E.
Identifiers: ClinVar variation 2827877 (VCV002827877.3), dbSNP rs2507820942, ClinGen allele CA396936727.

ClinVar aggregate classification (germline): Uncertain significance (1 of 4 stars; one submission).

Submission:

Labcorp Genetics (formerly Invitae), Labcorp
Classification: Uncertain significance. Last evaluated: 2023-01-12. Review status: criteria provided, single submitter. Criteria: Invitae Variant Classification Sherloc (09022015). Collection method: clinical testing. Allele origin: germline.
Comment: In summary, the available evidence is currently insufficient to determine the role of this variant in disease. Therefore, it has been classified as a Variant of Uncertain Significance. Algorithms developed to predict the effect of missense changes on protein structure and function are either unavailable or do not agree on the potential impact of this missense change (SIFT: "Tolerated"; PolyPhen-2: "Probably Damaging"; Align-GVGD: "Class C0"). This variant has not been reported in the literature in individuals affected with MBTPS1-related conditions. This sequence change replaces aspartic acid, which is acidic and polar, with glutamic acid, which is acidic and polar, at codon 312 of the MBTPS1 protein (p.Asp312Glu). This variant is not present in population databases (gnomAD no frequency).